The following is an entry in ClinVar:

ClinVar aggregate classification (germline): Uncertain significance (1 of 4 stars; one submission).

gnomAD v4.1: 2 of 1,614,160 alleles (0.00012%); highest among the groups gnomAD compares: African/African-American, 0.0013%; no homozygotes.

Submission:

Labcorp Genetics (formerly Invitae), Labcorp
Classification: Uncertain significance. Last evaluated: 2025-11-11. Review status: criteria provided, single submitter. Criteria: Invitae Variant Classification Sherloc (09022015). Collection method: clinical testing. Allele origin: germline.
Comment: This sequence change replaces proline, which is neutral and non-polar, with leucine, which is neutral and non-polar, at codon 815 of the LAMB1 protein (p.Pro815Leu). This variant is present in population databases (no rsID available, gnomAD 0.007%). This variant has not been reported in the literature in individuals affected with LAMB1-related conditions. An algorithm developed to predict the effect of missense changes on protein structure and function (PolyPhen-2) suggests that this variant is likely to be disruptive. In summary, the available evidence is currently insufficient to determine the role of this variant in disease. Therefore, it has been classified as a Variant of Uncertain Significance.

NM_002291.3(LAMB1):c.2444C>T (p.Pro815Leu)

Gene: LAMB1 (laminin subunit beta 1; minus strand). Cytogenetic location: 7q31.1.
Variant type: single nucleotide variant.
Coding change: c.2444C>T on transcript NM_002291.3 (MANE Select); coding-DNA position 2444, C replaced by T.
Protein change: p.Pro815Leu; replaces proline 815 with leucine.
Molecular consequence: missense variant.
Genome position (GRCh38, 1-based): chr7:107,959,705, G>A on the plus strand (C>T on the coding strand, the complement: LAMB1 is on the minus strand). VCF-style: chr7-107959705-G-A. GRCh37 (hg19) VCF-style: chr7-107600150-G-A.
Other names: short protein forms P815L.
Identifiers: ClinVar variation 4753894 (VCV004753894.1).
Genomic context (GRCh38, chr7:107,959,705, plus strand): 5'-TGAGTTAATCTGAATGAATGCATAACAATGCTTTTGAGGAACCTACGTTTGCATCCACTG[G>A]GGCCAAAGCCAAAAGTTCCAGGTGCACATCTGTTGCAGGTTCTTCCAACCACGTTGGGCC-3'
Protein context (NP_002282.2, residues 805-825): RCAPGTFGFG[Pro815Leu]SGCKPCECHL